The following is an entry in ClinVar:

ClinVar aggregate classification (germline): Uncertain significance. Review status: criteria provided, multiple submitters, no conflicts (2 of 4 stars). 2 submissions from 2 submitters: Uncertain significance (2). Last evaluated 2025-08-21.

Conditions:
COACH syndrome 2. Identifiers: MedGen C5436837, MONDO:0030859, OMIM 619111.
Meckel syndrome, type 6. Identifiers: Orphanet 564, MedGen C2676790, MONDO:0012848, OMIM 612284.
Retinitis pigmentosa 93. Identifiers: MedGen C5676970, MONDO:0030797, OMIM 619845.
Joubert syndrome 9 (JBTS9). Identifiers: Orphanet 2318, MedGen C2676788, MONDO:0012849, OMIM 612285.
Joubert syndrome. Also called: JOUBERT-BOLTSHAUSER SYNDROME; Familial aplasia of the vermis. Identifiers: Orphanet 475, MedGen C5979921, MONDO:0018772.
Meckel-Gruber syndrome. Also called: DYSENCEPHALIA SPLANCHNOCYSTICA; GRUBER SYNDROME; Dysencephalia splachnocystica. Identifiers: Orphanet 564, MedGen C0265215, MONDO:0018921.

Submissions (2):

Labcorp Genetics (formerly Invitae), Labcorp
Classification: Uncertain significance for Joubert syndrome; Meckel-Gruber syndrome. Last evaluated: 2025-08-21. Review status: criteria provided, single submitter. Criteria: Invitae Variant Classification Sherloc (09022015). Collection method: clinical testing. Allele origin: germline.
Comment: This sequence change replaces leucine, which is neutral and non-polar, with serine, which is neutral and polar, at codon 1334 of the CC2D2A protein (p.Leu1334Ser). This variant is not present in population databases (gnomAD no frequency). This variant has not been reported in the literature in individuals affected with CC2D2A-related conditions. ClinVar contains an entry for this variant (Variation ID: 1440865). Invitae Evidence Modeling of protein sequence and biophysical properties (such as structural, functional, and spatial information, amino acid conservation, physicochemical variation, residue mobility, and thermodynamic stability) indicates that this missense variant is expected to disrupt CC2D2A protein function with a positive predictive value of 80%. In summary, the available evidence is currently insufficient to determine the role of this variant in disease. Therefore, it has been classified as a Variant of Uncertain Significance.

Fulgent Genetics
Classification: Uncertain significance for Meckel syndrome, type 6; Joubert syndrome 9; COACH syndrome 2; Retinitis pigmentosa 93. Last evaluated: 2024-02-06. Review status: criteria provided, single submitter. Criteria: ACMG Guidelines, 2015. Collection method: clinical testing. Allele origin: germline.

NM_001378615.1(CC2D2A):c.4001T>C (p.Leu1334Ser)

Genes: CC2D2A (coiled-coil and C2 domain containing 2A; plus strand), FBXL5 (F-box and leucine rich repeat protein 5; minus strand). Cytogenetic location: 4p15.32.
Variant type: single nucleotide variant.
Coding change: c.4001T>C on transcript NM_001378615.1 (MANE Select); coding-DNA position 4001, T replaced by C.
Protein change: p.Leu1334Ser; replaces leucine 1334 with serine.
Molecular consequence: missense variant.
Genome position (GRCh38, 1-based): chr4:15,586,182, T>C. VCF-style: chr4-15586182-T-C. GRCh37 (hg19) VCF-style: chr4-15587805-T-C.
Other names: c.4001T>C, p.Leu1334Ser (NM_001080522.2); c.3854T>C, p.Leu1285Ser (NM_001378617.1); short protein forms L1285S, L1334S.
Identifiers: ClinVar variation 1440865 (VCV001440865.7), dbSNP rs1577396363, ClinGen allele CA356428286.